The following is an entry in ClinVar:

NM_000169.3(GLA):c.1228A>G (p.Thr410Ala)

Genes: GLA (galactosidase alpha; minus strand), RPL36A-HNRNPH2 (RPL36A-HNRNPH2 readthrough; plus strand). Cytogenetic location: Xq22.1.
Variant type: single nucleotide variant.
Coding change: c.1228A>G on transcript NM_000169.3 (MANE Select); coding-DNA position 1228, A replaced by G.
Protein change: p.Thr410Ala; replaces threonine 410 with alanine.
Molecular consequence: missense variant. On other transcripts: non-coding transcript variant (3), intron variant (2).
Genome position (GRCh38, 1-based): chrX:101,397,871, T>C on the plus strand (A>G on the coding strand, the complement: GLA is on the minus strand). VCF-style: chrX-101397871-T-C. GRCh37 (hg19) VCF-style: chrX-100652859-T-C.
Other names: c.1351A>G, p.Thr451Ala (NM_001406747.1); c.300+2414T>C (NM_001199973.2); c.177+6049T>C (NM_001199974.2); short protein forms T410A, T451A.
Identifiers: ClinVar variation 10771 (VCV000010771.11), dbSNP rs104894852, ClinGen allele CA021462.
Genomic context (GRCh38, chrX:101,397,871, plus strand): 5'-AAAGTAAGTCTTTTAATGACATCTGCATTGTATTTTCTAGCTGAAGCAAAACAGTGCCTG[T>C]GGGATTTATGTGACTTCTTAACCTTGAAGTCCATTCATAGAACCCTAGCTTCCTTTTCAC-3'
Protein context (NP_000160.1, residues 400-420): TSRLRSHINP[Thr410Ala]GTVLLQLENT

ClinVar aggregate classification (germline): Pathogenic. Review status: criteria provided, multiple submitters, no conflicts (2 of 4 stars). 3 submissions from 3 submitters: Pathogenic (2). 1 of the submissions does not count toward it. Last evaluated 2026-09-08.

Conditions:
Fabry disease. Also called: Ceramide trihexosidosis; Fabry's disease; CERAMIDE TRIHEXOSIDASE DEFICIENCY; GLA DEFICIENCY; HEREDITARY DYSTOPIC LIPIDOSIS; ALPHA-GALACTOSIDASE A DEFICIENCY. Identifiers: Orphanet 324, MedGen C0002986, MONDO:0010526, OMIM 301500, HP:0001071. Disease mechanism: Fabry disease is due to inactivating mutations in the X-linked GLA gene resulting in deficiency of the enzyme Alpha Galactosidase-A., loss of function.

Submissions (3):

Genomenon, Inc
Classification: Pathogenic for Fabry disease. Last evaluated: 2026-09-08. Review status: criteria provided, single submitter. Criteria: Genomenon Sequence Variant Interpretation Standards - Updated. Collection method: curation. Allele origin: germline. Affected: yes.
Comment: GLA p.Thr410Ala (c.1228A>G) is a missense variant that changes the amino acid at codon 410 from Threonine to Alanine. This variant has been observed in at least one proband with clinical features consistent with Fabry disease (PMID:12694230;30380558;36927868;38002959;30775854;39182239;21890869;32546508). The variant was found to segregate with disease in at least one affected family (PMID:12694230;36927868). At least one functional study has demonstrated a substantial alteration in protein function relative to the wild-type (PMID:22004918;27657681). It is absent or not present at a significant frequency in gnomAD. In silico models predict that this variant is possibly or probably damaging. In conclusion, we classify GLA p.Thr410Ala (c.1228A>G) as a pathogenic variant.

Labcorp Genetics (formerly Invitae), Labcorp
Classification: Pathogenic for Fabry disease. Last evaluated: 2024-02-24. Review status: criteria provided, single submitter. Criteria: Invitae Variant Classification Sherloc (09022015). Collection method: clinical testing. Allele origin: germline.
Comment: This sequence change replaces threonine, which is neutral and polar, with alanine, which is neutral and non-polar, at codon 410 of the GLA protein (p.Thr410Ala). This variant is not present in population databases (gnomAD no frequency). This missense change has been observed in individual(s) with Fabry disease (PMID: 12694230, 30380558). It has also been observed to segregate with disease in related individuals. ClinVar contains an entry for this variant (Variation ID: 10771). Advanced modeling of protein sequence and biophysical properties (such as structural, functional, and spatial information, amino acid conservation, physicochemical variation, residue mobility, and thermodynamic stability) performed at Invitae indicates that this missense variant is not expected to disrupt GLA protein function with a negative predictive value of 80%. Experimental studies have shown that this missense change affects GLA function (PMID: 22004918). For these reasons, this variant has been classified as Pathogenic.

OMIM
Classification: Pathogenic for FABRY DISEASE. Last evaluated: 2003-03-01. Review status: no assertion criteria provided. Collection method: literature only. Allele origin: germline. Not counted in ClinVar's aggregate classification.

Literature cited by the submitters: PubMed 12694230 (cited by 3 submitters); PubMed 30380558 (cited by Genomenon, Inc and Labcorp Genetics (formerly Invitae), Labcorp); PubMed 36927868 (cited by Genomenon, Inc); PubMed 38002959 (cited by Genomenon, Inc); PubMed 30775854 (cited by Genomenon, Inc); PubMed 39182239 (cited by Genomenon, Inc); PubMed 21890869 (cited by Genomenon, Inc); PubMed 32546508 (cited by Genomenon, Inc); PubMed 22004918 (cited by Genomenon, Inc and Labcorp Genetics (formerly Invitae), Labcorp); PubMed 27657681 (cited by Genomenon, Inc).